The following is an entry in ClinVar:

ClinVar aggregate classification (germline): Likely benign. Review status: criteria provided, single submitter (1 of 4 stars). 2 submissions from 2 submitters: Likely benign (1). 1 of the submissions does not count toward it. Last evaluated 2022-08-01.

Conditions:
ROBO1-related disorder. Also called: ROBO1-related condition.

Allele frequency attached by ClinVar (database versions not stated): ExAC 0.00004; gnomAD exomes 0.00004; TOPMed 0.00004; gnomAD 0.00005.
gnomAD v4.1: 60 of 1,613,794 alleles (0.0037%); highest among the groups gnomAD compares: Admixed American, 0.0067%; no homozygotes.

Submissions (2):

CeGaT Center for Human Genetics Tuebingen
Classification: Likely benign. Last evaluated: 2022-08-01. Review status: criteria provided, single submitter. Criteria: CeGaT Center For Human Genetics Tuebingen Variant Classification Criteria Version 2. Collection method: clinical testing. Allele origin: germline. Affected: yes. Observed: 1 variant allele.
Comment: ROBO1: BP4, BP7

PreventionGenetics, part of Exact Sciences
Classification: Likely benign for ROBO1-related condition. Last evaluated: 2021-01-05. Review status: no assertion criteria provided. Collection method: clinical testing. Allele origin: germline. Not counted in ClinVar's aggregate classification.
Comment: This variant is classified as likely benign based on ACMG/AMP sequence variant interpretation guidelines (Richards et al. 2015 PMID: 25741868, with internal and published modifications).

NM_002941.4(ROBO1):c.4719A>T (p.Pro1573=)

Gene: ROBO1 (roundabout guidance receptor 1; minus strand). Cytogenetic location: 3p12.3.
Variant type: single nucleotide variant.
Coding change: c.4719A>T on transcript NM_002941.4 (MANE Select); coding-DNA position 4719, A replaced by T.
Protein change: p.Pro1573=; no amino-acid change (proline 1573 retained).
Molecular consequence: synonymous variant.
Genome position (GRCh38, 1-based): chr3:78,606,758, T>A on the plus strand (A>T on the coding strand, the complement: ROBO1 is on the minus strand). VCF-style: chr3-78606758-T-A. GRCh37 (hg19) VCF-style: chr3-78655908-T-A.
Other names: c.4584A>T, p.Pro1528= (NM_001145844.1, NM_133631.4); c.4419A>T, p.Pro1473= (NM_001145845.2); c.4719A>T (NM_002941.3).
Identifiers: ClinVar variation 2653979 (VCV002653979.25), dbSNP rs767818822, ClinGen allele CA2497988.